The following is an entry in ClinVar:

ClinVar aggregate classification (germline): Conflicting classifications of pathogenicity. Review status: criteria provided, conflicting classifications (1 of 4 stars). 5 submissions from 5 submitters: Uncertain significance (4); Benign (1). Last evaluated 2025-11-17.

Conditions:
Familial sleep-related hypermotor epilepsy. Also called: Autosomal Dominant Sleep-Related Hypermotor (Hyperkinetic) Epilepsy. Identifiers: Orphanet 98784, MedGen C3696898, MONDO:0000030.
Autosomal dominant nocturnal frontal lobe epilepsy 1. Also called: CHRNA4-Related Nocturnal Frontal Lobe Epilepsy, Autosomal Dominant; EPILEPSY, NOCTURNAL FRONTAL LOBE, TYPE 1. Identifiers: Orphanet 98784, MedGen C1838049, MONDO:0010899, OMIM 600513.
Tobacco addiction, susceptibility to. Also called: CIGARETTE HABITUATION, SUSCEPTIBILITY TO. Identifiers: MedGen C1861063, MONDO:0100460, OMIM 188890.

Allele frequency attached by ClinVar (database versions not stated): gnomAD exomes 0.00011; gnomAD 0.00015 and 0.00016; TOPMed 0.00015; ExAC 0.00022; ESP Exome Variant Server 0.00039.

Submissions (5):

Labcorp Genetics (formerly Invitae), Labcorp
Classification: Benign. Last evaluated: 2025-11-17. Review status: criteria provided, single submitter. Criteria: Invitae Variant Classification Sherloc (09022015). Collection method: clinical testing. Allele origin: germline.

CeGaT Center for Human Genetics Tuebingen
Classification: Uncertain significance. Last evaluated: 2022-03-01. Review status: criteria provided, single submitter. Criteria: CeGaT Center For Human Genetics Tuebingen Variant Classification Criteria Version 2. Collection method: clinical testing. Allele origin: germline. Affected: yes. Observed: 1 variant allele.

Fulgent Genetics
Classification: Uncertain significance for Tobacco addiction, susceptibility to; Autosomal dominant nocturnal frontal lobe epilepsy 1. Last evaluated: 2021-12-20. Review status: criteria provided, single submitter. Criteria: ACMG Guidelines, 2015. Collection method: clinical testing. Allele origin: unknown.

Center for Precision Medicine, Vanderbilt University Medical Center
Classification: Uncertain significance for Autosomal dominant nocturnal frontal lobe epilepsy 1. Last evaluated: 2018-03-16. Review status: criteria provided, single submitter. Criteria: ACMG Guidelines, 2015. Collection method: research. Allele origin: germline. Inheritance: Autosomal dominant inheritance. Observed: 22 variant alleles, 21 heterozygotes, 1 homozygote. Clinical features observed: convulsions, partial epilepsy, mental retardation.

GeneDx
Classification: Uncertain significance. Last evaluated: 2016-05-11. Review status: criteria provided, single submitter. Criteria: GeneDx Variant Classification (06012015). Collection method: clinical testing. Allele origin: germline. Affected: yes.
Comment: The R483Q variant has not been published as a pathogenic variant, nor has it been reported as a benign variant to our knowledge. It was not observed with any significant frequency in approximately 6,400 individuals of European and African American ancestry in the NHLBI Exome Sequencing Project. The R483Q variant is a semi-conservative amino acid substitution, which may impact secondary protein structure as these residues differ in some properties. This substitution occurs at a position that is conserved in mammals. However, in silico analysis is inconsistent in its predictions as to whether or not the variant is damaging to the protein structure/function. Additionally, this amino acid substitution is not predicted to occur within the transmembrane region of the protein, where the vast majority of pathogenic missense variants have been identified in association with epilepsy (Steinlein et al., 2010). Therefore, based on the currently available information, it is unclear whether this variant is a pathogenic variant or a rare benign variant.

NM_000744.7(CHRNA4):c.1448G>A (p.Arg483Gln)

Gene: CHRNA4 (cholinergic receptor nicotinic alpha 4 subunit; minus strand). Cytogenetic location: 20q13.33.
Variant type: single nucleotide variant.
Coding change: c.1448G>A on transcript NM_000744.7 (MANE Select); coding-DNA position 1448, G replaced by A.
Protein change: p.Arg483Gln; replaces arginine 483 with glutamine.
Molecular consequence: missense variant. On other transcripts: non-coding transcript variant (1).
Genome position (GRCh38, 1-based): chr20:63,349,963, C>T on the plus strand (G>A on the coding strand, the complement: CHRNA4 is on the minus strand). VCF-style: chr20-63349963-C-T. GRCh37 (hg19) VCF-style: chr20-61981315-C-T.
Other names: p.R483Q:CGG>CAG; c.920G>A, p.Arg307Gln (NM_001256573.2); short protein forms R483Q, R307Q.
Identifiers: ClinVar variation 205031 (VCV000205031.34), dbSNP rs55855125, ClinGen allele CA313581.